The following is an entry in ClinVar:

ClinVar aggregate classification (germline): Uncertain significance (1 of 4 stars; one submission).

Submission:

Labcorp Genetics (formerly Invitae), Labcorp
Classification: Uncertain significance. Last evaluated: 2024-03-14. Review status: criteria provided, single submitter. Criteria: Invitae Variant Classification Sherloc (09022015). Collection method: clinical testing. Allele origin: germline.
Comment: This sequence change falls in intron 12 of the LZTR1 gene. It does not directly change the encoded amino acid sequence of the LZTR1 protein. This variant is not present in population databases (gnomAD no frequency). This variant has not been reported in the literature in individuals affected with LZTR1-related conditions. Algorithms developed to predict the effect of sequence changes on RNA splicing suggest that this variant may disrupt the consensus splice site. In summary, the available evidence is currently insufficient to determine the role of this variant in disease. Therefore, it has been classified as a Variant of Uncertain Significance.

NM_006767.4(LZTR1):c.1354-7T>C

Gene: LZTR1 (leucine zipper like post translational regulator 1; plus strand). Cytogenetic location: 22q11.21.
Variant type: single nucleotide variant.
Coding change: c.1354-7T>C on transcript NM_006767.4 (MANE Select); 7 bases into the intron before coding-DNA position 1354, T replaced by C.
Molecular consequence: intron variant.
Genome position (GRCh38, 1-based): chr22:20,993,917, T>C. VCF-style: chr22-20993917-T-C. GRCh37 (hg19) VCF-style: chr22-21348206-T-C.
Identifiers: ClinVar variation 3645946 (VCV003645946.2).